The following is an entry in ClinVar:

NM_000342.4(SLC4A1):c.719C>T (p.Pro240Leu)

Gene: SLC4A1 (solute carrier family 4 member 1 (Diego blood group); minus strand). Cytogenetic location: 17q21.31.
Variant type: single nucleotide variant.
Coding change: c.719C>T on transcript NM_000342.4 (MANE Select); coding-DNA position 719, C replaced by T.
Protein change: p.Pro240Leu; replaces proline 240 with leucine.
Molecular consequence: missense variant.
Genome position (GRCh38, 1-based): chr17:44,259,320, G>A on the plus strand (C>T on the coding strand, the complement: SLC4A1 is on the minus strand). VCF-style: chr17-44259320-G-A. GRCh37 (hg19) VCF-style: chr17-42336688-G-A.
Other names: short protein forms P240L.
Identifiers: ClinVar variation 889578 (VCV000889578.5), dbSNP rs764833865, ClinGen allele CA8600484.

ClinVar aggregate classification (germline): Conflicting classifications of pathogenicity. Review status: criteria provided, conflicting classifications (1 of 4 stars). 4 submissions from 2 submitters: Uncertain significance (3); Benign (1). Last evaluated 2024-10-01.

Conditions:
Autosomal dominant distal renal tubular acidosis (DRTA1). Also called: RTA, CLASSIC TYPE; RTA, DISTAL TYPE, AUTOSOMAL DOMINANT; RTA, GRADIENT TYPE; Renal Tubular Acidosis, Type I; RENAL TUBULAR ACIDOSIS, DISTAL, 1. Identifiers: Orphanet 93608, MedGen CN280572, MONDO:0008368, OMIM 179800.
Hereditary spherocytosis type 4. Also called: SLC4A1-Related Spherocytosis. Identifiers: Orphanet 822, MedGen C2675212, MONDO:0012981, OMIM 612653.
Hemolytic anemia. Identifiers: MedGen C0002878, MONDO:0003664, HP:0001878.

Allele frequency attached by ClinVar (database versions not stated): gnomAD 0.00003 and 0.00004; TOPMed 0.00004; ExAC 0.00011.

Submissions (4):

Women's Health and Genetics/Laboratory Corporation of America, LabCorp
Classification: Uncertain significance. Last evaluated: 2024-10-01. Review status: criteria provided, single submitter. Criteria: LabCorp Variant Classification Summary - May 2015. Collection method: clinical testing. Allele origin: germline.
Comment: Variant summary: SLC4A1 c.719C>T (p.Pro240Leu) results in a non-conservative amino acid change located in the Bicarbonate transporter-like, transmembrane domain (IPR011531) of the encoded protein sequence. Five of five in-silico tools predict a damaging effect of the variant on protein function. The variant allele was found at a frequency of 9.3e-05 in 248408 control chromosomes. This frequency is not significantly higher than estimated for a pathogenic variant in SLC4A1 causing SLC4A1-Related Disorders, allowing no conclusion about variant significance. To our knowledge, no occurrence of c.719C>T in individuals affected with SLC4A1-Related Disorders and no experimental evidence demonstrating its impact on protein function have been reported. ClinVar contains an entry for this variant (Variation ID: 889578). Based on the evidence outlined above, the variant was classified as uncertain significance.

Illumina Laboratory Services, Illumina
Classification: Uncertain significance for Hemolytic anemia. Last evaluated: 2018-01-13. Review status: criteria provided, single submitter. Criteria: ICSL Variant Classification Criteria 13 December 2019. Collection method: clinical testing. Allele origin: germline.

Illumina Laboratory Services, Illumina
Classification: Benign for Autosomal dominant distal renal tubular acidosis. Last evaluated: 2018-01-13. Review status: criteria provided, single submitter. Criteria: ICSL Variant Classification Criteria 13 December 2019. Collection method: clinical testing. Allele origin: germline.
Comment: This variant was observed in the ICSL laboratory as part of a predisposition screen in an ostensibly healthy population. It had not been previously curated by ICSL or reported in the Human Gene Mutation Database (HGMD: prior to June 1st, 2018), and was therefore a candidate for classification through an automated scoring system. Utilizing variant allele frequency, disease prevalence and penetrance estimates, and inheritance mode, an automated score was calculated to assess if this variant is too frequent to cause the disease. Based on the score and internal cut-off values, a variant classified as benign is not then subjected to further curation. The score for this variant resulted in a classification of benign for this disease.

Illumina Laboratory Services, Illumina
Classification: Uncertain significance for Hereditary spherocytosis type 4. Last evaluated: 2018-01-13. Review status: criteria provided, single submitter. Criteria: ICSL Variant Classification Criteria 13 December 2019. Collection method: clinical testing. Allele origin: germline.